The following is an entry in ClinVar:

ClinVar aggregate classification (germline): Pathogenic (1 of 4 stars; one submission).

Allele frequency attached by ClinVar (database versions not stated): gnomAD exomes below 0.00001.
gnomAD v4.1: 4 of 1,614,270 alleles (0.00025%); highest among the groups gnomAD compares: Non-Finnish European, 0.00034%; no homozygotes.

Submission:

Seattle Children's Hospital Molecular Genetics Laboratory, Seattle Children's Hospital
Classification: Pathogenic. Last evaluated: 2021-08-20. Review status: criteria provided, single submitter. Criteria: ACMG Guidelines, 2015. Collection method: clinical testing. Allele origin: germline. Affected: yes.
Comment: A different missense variant at this position (NM_198843.3:c.145T>C, p.Cys49Arg) has been reported as pathogenic in an individual with SP-B deficiency (PMID: 10712351, PMID: 26199800). This variant has observed once in the heterozygous state in large population studies (1 of 251,474 alleles, gnomAD v.2.1.1).

NM_000542.5(SFTPB):c.146G>A (p.Cys49Tyr)

Gene: SFTPB (surfactant protein B; minus strand). Cytogenetic location: 2p11.2.
Variant type: single nucleotide variant.
Coding change: c.146G>A on transcript NM_000542.5 (MANE Select); coding-DNA position 146, G replaced by A.
Protein change: p.Cys49Tyr; replaces cysteine 49 with tyrosine.
Molecular consequence: missense variant.
Genome position (GRCh38, 1-based): chr2:85,667,728, C>T on the plus strand (G>A on the coding strand, the complement: SFTPB is on the minus strand). VCF-style: chr2-85667728-C-T. GRCh37 (hg19) VCF-style: chr2-85894851-C-T.
Other names: c.146G>A, p.Cys49Tyr (NM_001367281.2, NM_198843.4); short protein forms C49Y.
Identifiers: ClinVar variation 1691339 (VCV001691339.2), dbSNP rs1218322078, ClinGen allele CA347492727.
Genomic context (GRCh38, chr2:85,667,728, plus strand): 5'-GTGGTACTCACGGCTCCCACATGTCCCCAGACTTCCTGTAGGCAATGCCCTAGGGCTCTG[C>T]ACTGCAATGCTTGCTCCAGGCTTTGGCACCAGAACTCAGGGCCCTGGGCACAGGCCAAGG-3'
Protein context (NP_000533.4, residues 39-59): WCQSLEQALQ[Cys49Tyr]RALGHCLQEV